The following is an entry in ClinVar:

ClinVar aggregate classification (germline): Uncertain significance (1 of 4 stars; one submission).

Submission:

CeGaT Center for Human Genetics Tuebingen
Classification: Uncertain significance. Last evaluated: 2022-10-01. Review status: criteria provided, single submitter. Criteria: CeGaT Center For Human Genetics Tuebingen Variant Classification Criteria Version 2. Collection method: clinical testing. Allele origin: germline. Affected: yes. Observed: 1 variant allele.
Comment: NF1: PM2, BP4

NM_001042492.3(NF1):c.3113+4A>C

Gene: NF1 (neurofibromin 1; plus strand). Cytogenetic location: 17q11.2.
Variant type: single nucleotide variant.
Coding change: c.3113+4A>C on transcript NM_001042492.3 (MANE Select); 4 bases into the intron after coding-DNA position 3113, A replaced by C.
Molecular consequence: intron variant.
Genome position (GRCh38, 1-based): chr17:31,230,386, A>C. VCF-style: chr17-31230386-A-C. GRCh37 (hg19) VCF-style: chr17-29557404-A-C.
Other names: c.3113+4A>C (NM_000267.4).
Identifiers: ClinVar variation 2647630 (VCV002647630.24), dbSNP rs2151431791, ClinGen allele CA2695201281.
Genomic context (GRCh38, chr17:31,230,386, plus strand): 5'-TGAAGTAATGATGGCAAGGAGAGATGACCTCTCATTTTGCCAAGAGATGAAATTTAGGTG[A>C]GTTCTCAAAAGAGCAATGTAGGGTCTTGTAAATCTTAATATGTCCAATGAAGTACAGAAA-3'